The following is an entry in ClinVar:

ClinVar aggregate classification (germline): Uncertain significance. Review status: criteria provided, multiple submitters, no conflicts (2 of 4 stars). 3 submissions from 3 submitters: Uncertain significance (3). Last evaluated 2025-09-29.

Conditions:
Hereditary cancer-predisposing syndrome. Also called: Neoplastic Syndromes, Hereditary; Tumor predisposition; Hereditary Cancer Syndrome; Hereditary neoplastic syndrome. Identifiers: Orphanet 140162, MedGen C0027672, MeSH D009386, MONDO:0015356.
Familial adenomatous polyposis 1 (FAP1). Also called: FAMILIAL ADENOMATOUS POLYPOSIS 1, ATTENUATED; POLYPOSIS, ADENOMATOUS INTESTINAL. Identifiers: MedGen C2713442, MONDO:0021056, OMIM 175100. Disease mechanism: loss of function.

Submissions (3):

Women's Health and Genetics/Laboratory Corporation of America, LabCorp
Classification: Uncertain significance. Last evaluated: 2025-09-29. Review status: criteria provided, single submitter. Criteria: LabCorp Variant Classification Summary - May 2015. Collection method: clinical testing. Allele origin: germline.

Labcorp Genetics (formerly Invitae), Labcorp
Classification: Uncertain significance for Familial adenomatous polyposis 1. Last evaluated: 2025-05-21. Review status: criteria provided, single submitter. Criteria: Invitae Variant Classification Sherloc (09022015). Collection method: clinical testing. Allele origin: germline.
Comment: This sequence change replaces leucine, which is neutral and non-polar, with phenylalanine, which is neutral and non-polar, at codon 585 of the APC protein (p.Leu585Phe). This variant is not present in population databases (gnomAD no frequency). This variant has not been reported in the literature in individuals affected with APC-related conditions. ClinVar contains an entry for this variant (Variation ID: 1779432). Invitae Evidence Modeling of protein sequence and biophysical properties (such as structural, functional, and spatial information, amino acid conservation, physicochemical variation, residue mobility, and thermodynamic stability) indicates that this missense variant is not expected to disrupt APC protein function with a negative predictive value of 95%. In summary, the available evidence is currently insufficient to determine the role of this variant in disease. Therefore, it has been classified as a Variant of Uncertain Significance.

Ambry Genetics
Classification: Uncertain significance for Hereditary cancer-predisposing syndrome. Last evaluated: 2025-02-17. Review status: criteria provided, single submitter. Criteria: Ambry Variant Classification Scheme 2023. Collection method: clinical testing. Allele origin: germline.
Comment: The p.L585F variant (also known as c.1753C>T), located in coding exon 14 of the APC gene, results from a C to T substitution at nucleotide position 1753. The leucine at codon 585 is replaced by phenylalanine, an amino acid with highly similar properties. This amino acid position is highly conserved in available vertebrate species. In addition, in silico predictors for this gene do not accurately predict pathogenicity. Missense alterations in APC are not a common cause of disease (Spier I et al. Genet Med. 2024 Feb;26(2):100992). Based on the available evidence, the clinical significance of this variant remains unclear.

NM_000038.6(APC):c.1753C>T (p.Leu585Phe)

Gene: APC (APC regulator of Wnt signaling pathway; plus strand). Cytogenetic location: 5q22.2.
Variant type: single nucleotide variant.
Coding change: c.1753C>T on transcript NM_000038.6 (MANE Select); coding-DNA position 1753, C replaced by T.
Protein change: p.Leu585Phe; replaces leucine 585 with phenylalanine.
Molecular consequence: missense variant.
Genome position (GRCh38, 1-based): chr5:112,834,960, C>T. VCF-style: chr5-112834960-C-T. GRCh37 (hg19) VCF-style: chr5-112170657-C-T.
Other names: c.1576C>T, p.Leu526Phe (NM_001407453.1, NM_001354901.2); c.1504C>T, p.Leu502Phe (NM_001407454.1, NM_001407455.1, NM_001407456.1 and 1 more transcripts); c.1450C>T, p.Leu484Phe (NM_001407458.1, NM_001407459.1, NM_001407460.1 and 1 more transcripts); c.1366C>T, p.Leu456Phe (NM_001407467.1, NM_001407469.1); c.904C>T, p.Leu302Phe (NM_001407470.1, NM_001354906.2); c.601C>T, p.Leu201Phe (NM_001407471.1, NM_001407472.1); c.1753C>T, p.Leu585Phe (NM_001127510.3, NM_001354895.2, NM_001407450.1); c.1699C>T, p.Leu567Phe (NM_001127511.3); and 11 more; short protein forms L459F, L502F, L560F, L567F, L603F, L484F, L494F, L575F.
Identifiers: ClinVar variation 1779432 (VCV001779432.7), dbSNP rs2149840915, ClinGen allele CA16025148.